The following is an entry in ClinVar:

ClinVar aggregate classification (germline): Pathogenic (1 of 4 stars; one submission).

Conditions:
Multiple endocrine neoplasia type 4. Also called: MULTIPLE ENDOCRINE NEOPLASIA, TYPE IV. Identifiers: Orphanet 276152, MedGen C1970712, MONDO:0012552, OMIM 610755.

Submission:

Labcorp Genetics (formerly Invitae), Labcorp
Classification: Pathogenic for Multiple endocrine neoplasia type 4. Last evaluated: 2023-11-07. Review status: criteria provided, single submitter. Criteria: Invitae Variant Classification Sherloc (09022015). Collection method: clinical testing. Allele origin: germline.
Comment: A gross deletion of the genomic region encompassing the full coding sequence of the CDKN1B gene has been identified. Loss-of-function variants in CDKN1B are known to be pathogenic (PMID: 17030811, 24819502). The boundaries of this event are unknown as they extend beyond the assayed region for this gene and therefore may encompass additional genes. This variant has not been reported in the literature in individuals affected with CDKN1B-related conditions. For these reasons, this variant has been classified as Pathogenic.

Literature cited by the submitters: PubMed 17030811; PubMed 24819502.

NC_000012.12:g.(?_12717384)_(12718946_?)del

Gene: CDKN1B (cyclin dependent kinase inhibitor 1B; plus strand). Cytogenetic location: 12p13.1.
Variant type: Deletion.
Identifiers: ClinVar variation 831994 (VCV000831994.6).